The following is an entry in ClinVar:

NM_001164508.2(NEB):c.3224C>T (p.Ala1075Val)

Gene: NEB (nebulin; minus strand). Cytogenetic location: 2q23.3.
Variant type: single nucleotide variant.
Coding change: c.3224C>T on transcript NM_001164508.2 (MANE Select); coding-DNA position 3224, C replaced by T.
Protein change: p.Ala1075Val; replaces alanine 1075 with valine.
Molecular consequence: missense variant.
Genome position (GRCh38, 1-based): chr2:151,679,752, G>A on the plus strand (C>T on the coding strand, the complement: NEB is on the minus strand). VCF-style: chr2-151679752-G-A. GRCh37 (hg19) VCF-style: chr2-152536266-G-A.
Other names: c.3224C>T, p.Ala1075Val (NM_001164507.2, NM_001271208.2, NM_004543.5); c.3224C>T (NM_004543.4); short protein forms A1075V.
Identifiers: ClinVar variation 1022769 (VCV001022769.8), dbSNP rs574309369, ClinGen allele CA1910969.
Genomic context (GRCh38, chr2:151,679,752, plus strand): 5'-TGCCCATGTATGACCACAGCTGGACTTACGTCACTCGCCGCCTGCCTGGCAGCTTTGGCA[G>A]CTCTGATGGGAATCGCATCAGTTCTCAGGTCATATCCCTTCTTGCTCAAGTCTTTCAAGT-3'
Protein context (NP_001157980.2, residues 1065-1085): DLRTDAIPIR[Ala1075Val]AKAARQAASD

ClinVar aggregate classification (germline): Uncertain significance. Review status: criteria provided, multiple submitters, no conflicts (2 of 4 stars). 3 submissions from 3 submitters: Uncertain significance (2). 1 of the submissions does not count toward it. Last evaluated 2024-06-26.

Conditions:
Nemaline myopathy 2 (NEM2). Also called: Nemaline myopathy 2, autosomal recessive. Identifiers: MedGen C1850569, MONDO:0009725, OMIM 256030.
Inborn genetic diseases. Identifiers: MedGen C0950123, MeSH D030342.

Allele frequency attached by ClinVar (database versions not stated): gnomAD 0.00001 and 0.00002; TOPMed 0.00001; 1000 Genomes Project 0.00020; 1000 Genomes Project 30x 0.00031.
gnomAD v4.1: 4 of 1,604,042 alleles (0.00025%); highest among the groups gnomAD compares: Admixed American, 0.005%; no homozygotes.

Submissions (3):

Ambry Genetics
Classification: Uncertain significance for Inborn genetic diseases. Last evaluated: 2024-06-26. Review status: criteria provided, single submitter. Criteria: Ambry Variant Classification Scheme 2023. Collection method: clinical testing. Allele origin: germline.

Labcorp Genetics (formerly Invitae), Labcorp
Classification: Uncertain significance for Nemaline myopathy 2. Last evaluated: 2024-06-10. Review status: criteria provided, single submitter. Criteria: Invitae Variant Classification Sherloc (09022015). Collection method: clinical testing. Allele origin: germline.
Comment: This sequence change replaces alanine, which is neutral and non-polar, with valine, which is neutral and non-polar, at codon 1075 of the NEB protein (p.Ala1075Val). This variant is present in population databases (rs574309369, gnomAD 0.003%). This variant has not been reported in the literature in individuals affected with NEB-related conditions. ClinVar contains an entry for this variant (Variation ID: 1022769). Algorithms developed to predict the effect of missense changes on protein structure and function output the following: SIFT: "Not Available"; PolyPhen-2: "Not Available"; Align-GVGD: "Not Available". The valine amino acid residue is found in multiple mammalian species, which suggests that this missense change does not adversely affect protein function. In summary, the available evidence is currently insufficient to determine the role of this variant in disease. Therefore, it has been classified as a Variant of Uncertain Significance.

Natera, Inc.
Classification: Uncertain significance for Nemaline myopathy type 2. Last evaluated: 2020-03-13. Review status: no assertion criteria provided. Collection method: clinical testing. Allele origin: germline. Not counted in ClinVar's aggregate classification.